The following is an entry in ClinVar:

ClinVar aggregate classification (germline): Likely benign (1 of 4 stars; one submission).

gnomAD v4.1: 95 of 1,613,476 alleles (0.0059%); highest among the groups gnomAD compares: African/African-American, 0.12%; no homozygotes.

Submission:

CeGaT Center for Human Genetics Tuebingen
Classification: Likely benign. Last evaluated: 2025-11-01. Review status: criteria provided, single submitter. Criteria: CeGaT Center For Human Genetics Tuebingen Variant Classification Criteria Version 2. Collection method: clinical testing. Allele origin: germline. Affected: yes. Observed: 1 variant allele.
Comment: HRNR: BP4, BP7

NM_001009931.3(HRNR):c.2490G>A (p.Gln830=)

Genes: CCDST (cervical cancer associated DHX9 suppressive transcript; plus strand), HRNR (hornerin; minus strand). Cytogenetic location: 1q21.3.
Variant type: single nucleotide variant.
Coding change: c.2490G>A on transcript NM_001009931.3 (MANE Select); coding-DNA position 2490, G replaced by A.
Protein change: p.Gln830=; no amino-acid change (glutamine 830 retained).
Molecular consequence: synonymous variant.
Genome position (GRCh38, 1-based): chr1:152,219,139, C>T on the plus strand (G>A on the coding strand, the complement: HRNR is on the minus strand). VCF-style: chr1-152219139-C-T. GRCh37 (hg19) VCF-style: chr1-152191615-C-T.
Identifiers: ClinVar variation 4534702 (VCV004534702.6).